The following is an entry in ClinVar:

ClinVar aggregate classification (germline): Pathogenic (1 of 4 stars; one submission).

Conditions:
Meckel-Gruber syndrome. Also called: Dysencephalia splachnocystica; DYSENCEPHALIA SPLANCHNOCYSTICA; GRUBER SYNDROME. Identifiers: Orphanet 564, MedGen C0265215, MONDO:0018921.
Joubert syndrome. Also called: Familial aplasia of the vermis; CEREBELLOPARENCHYMAL DISORDER IV; JOUBERT-BOLTSHAUSER SYNDROME. Identifiers: Orphanet 475, MedGen C5979921, MONDO:0018772.

Allele frequency attached by ClinVar (database versions not stated): TOPMed 0.00001.
gnomAD v4.1: 1 of 1,614,160 alleles (0.000062%); highest among the groups gnomAD compares: Non-Finnish European, 0.000085%; no homozygotes.

Submission:

Labcorp Genetics (formerly Invitae), Labcorp
Classification: Pathogenic for Joubert syndrome; Meckel-Gruber syndrome. Last evaluated: 2018-05-09. Review status: criteria provided, single submitter. Criteria: Invitae Variant Classification Sherloc (09022015). Collection method: clinical testing. Allele origin: germline.
Comment: Algorithms developed to predict the effect of missense changes on protein structure and function (SIFT, PolyPhen-2, Align-GVGD) all suggest that this variant is likely to be tolerated, but these predictions have not been confirmed by published functional studies and their clinical significance is uncertain. For these reasons, this variant has been classified as Pathogenic. Algorithms developed to predict the effect of sequence changes on RNA splicing suggest that this variant may create or strengthen a splice site, but this prediction has not been confirmed by published transcriptional studies. In addition, this variant has been observed in combination with another MKS1 variant in an individual affected with Joubert syndrome (PMID: 28497568). This variant is not present in population databases (ExAC no frequency). This sequence change replaces arginine with glycine at codon 463 of the MKS1 protein (p.Arg463Gly). The arginine residue is highly conserved and there is a moderate physicochemical difference between arginine and glycine.

Literature cited by the submitters: PubMed 28497568.

NM_017777.4(MKS1):c.1387C>G (p.Arg463Gly)

Gene: MKS1 (MKS transition zone complex subunit 1; minus strand). Cytogenetic location: 17q22.
Variant type: single nucleotide variant.
Coding change: c.1387C>G on transcript NM_017777.4 (MANE Select); coding-DNA position 1387, C replaced by G.
Protein change: p.Arg463Gly; replaces arginine 463 with glycine.
Molecular consequence: missense variant. On other transcripts: intron variant (1).
Genome position (GRCh38, 1-based): chr17:58,207,105, G>C on the plus strand (C>G on the coding strand, the complement: MKS1 is on the minus strand). VCF-style: chr17-58207105-G-C. GRCh37 (hg19) VCF-style: chr17-56284466-G-C.
Other names: c.778C>G, p.Arg260Gly (NM_001321268.2); c.1387C>G, p.Arg463Gly (NM_001321269.2); c.1274-725C>G (NM_001330397.2); short protein forms R463G, R260G.
Identifiers: ClinVar variation 582164 (VCV000582164.7), dbSNP rs766392300, ClinGen allele CA292008166.
Genomic context (GRCh38, chr17:58,207,105, plus strand): 5'-TAAGTTCTCAGCGTGAAGTCACTCCAAAGACAAAAGTCACCTTGAAGGATCCTGGTATCC[G>C]TACATAGGAGAGGTCCTCCAGTTCCAGAGAACCGCCAATGAAAAACCTCCTCAGCTCAGC-3'
Protein context (NP_060247.2, residues 453-473): SLELEDLSYV[Arg463Gly]IPGSFKGERL